The following is an entry in ClinVar:

ClinVar aggregate classification (germline): Uncertain significance (1 of 4 stars; one submission).

Conditions:
Tuberous sclerosis 1 (TSC1). Identifiers: Orphanet 805, MedGen C1854465, MONDO:0008612, OMIM 191100.

Submission:

Clinical Genomics Laboratory, Washington University in St. Louis
Classification: Uncertain significance for Tuberous sclerosis 1. Last evaluated: 2024-10-27. Review status: criteria provided, single submitter. Criteria: ACMG Guidelines, 2015. Collection method: clinical testing. Allele origin: germline.
Comment: The TSC1 c.2625+6C>G variant was identified at a near heterozygous allelic fraction of 45.68%, a frequency which may be consistent with it being of germline origin. To our knowledge, this variant has not been reported in the medical literature and it is absent from the general population (gnomAD v4.1.0), indicating that it is not a common variant. Computational predictors suggest that this variant does not impact splicing. Due to limited information, and based on the ACMG/AMP guidelines for variant interpretation (Richards S et al., PMID: 25741868), the clinical significance of the TSC1 c.2625+6C>G variant is uncertain at this time.

NM_000368.5(TSC1):c.2625+6C>G

Gene: TSC1 (TSC complex subunit 1; minus strand). Cytogenetic location: 9q34.13.
Variant type: single nucleotide variant.
Coding change: c.2625+6C>G on transcript NM_000368.5 (MANE Select); 6 bases into the intron after coding-DNA position 2625, C replaced by G.
Molecular consequence: intron variant.
Genome position (GRCh38, 1-based): chr9:132,900,709, G>C on the plus strand (C>G on the coding strand, the complement: TSC1 is on the minus strand). VCF-style: chr9-132900709-G-C. GRCh37 (hg19) VCF-style: chr9-135776096-G-C.
Other names: c.2427+6C>G (NM_001406613.1); c.2469+6C>G (NM_001406612.1, NM_001406611.1); c.2472+6C>G (NM_001406610.1, NM_001162427.2); c.1671+6C>G (NM_001406627.1, NM_001406628.1); c.1572+6C>G (NM_001406629.1, NM_001406630.1); c.2607+6C>G (NM_001406603.1, NM_001406604.1); c.2580+6C>G (NM_001406609.1, NM_001406608.1); c.2622+6C>G (NM_001406597.1, NM_001406600.1, NM_001406598.1 and 2 more transcripts); and 8 more.
Identifiers: ClinVar variation 3600458 (VCV003600458.1).